The following is an entry in ClinVar:

ClinVar aggregate classification (germline): Uncertain significance (1 of 4 stars; one submission).

Conditions:
Fanconi anemia (FA). Also called: Fanconi's anemia. Identifiers: Orphanet 84, MedGen C0015625, MeSH D005199, MONDO:0019391.

gnomAD v4.1: 1 of 1,613,996 alleles (0.000062%); no homozygotes.

Submission:

Labcorp Genetics (formerly Invitae), Labcorp
Classification: Uncertain significance for Fanconi anemia. Last evaluated: 2025-01-20. Review status: criteria provided, single submitter. Criteria: Invitae Variant Classification Sherloc (09022015). Collection method: clinical testing. Allele origin: germline.
Comment: This sequence change replaces glutamic acid, which is acidic and polar, with glutamine, which is neutral and polar, at codon 300 of the FANCD2 protein (p.Glu300Gln). This variant is not present in population databases (gnomAD no frequency). This variant has not been reported in the literature in individuals affected with FANCD2-related conditions. Invitae Evidence Modeling of protein sequence and biophysical properties (such as structural, functional, and spatial information, amino acid conservation, physicochemical variation, residue mobility, and thermodynamic stability) indicates that this missense variant is expected to disrupt FANCD2 protein function with a positive predictive value of 80%. In summary, the available evidence is currently insufficient to determine the role of this variant in disease. Therefore, it has been classified as a Variant of Uncertain Significance.

NM_001018115.3(FANCD2):c.898G>C (p.Glu300Gln)

Genes: FANCD2 (FA complementation group D2; plus strand), LOC107303338 (3p25 FANCD2 Alu-mediated recombination region; plus strand). Cytogenetic location: 3p25.3.
Variant type: single nucleotide variant.
Coding change: c.898G>C on transcript NM_001018115.3 (MANE Select); coding-DNA position 898, G replaced by C.
Protein change: p.Glu300Gln; replaces glutamic acid 300 with glutamine.
Molecular consequence: missense variant.
Genome position (GRCh38, 1-based): chr3:10,043,059, G>C. VCF-style: chr3-10043059-G-C. GRCh37 (hg19) VCF-style: chr3-10084743-G-C.
Other names: c.898G>C, p.Glu300Gln (NM_001319984.2, NM_001374253.1, NM_001374254.1 and 1 more transcripts); short protein forms E300Q.
Identifiers: ClinVar variation 3668742 (VCV003668742.2).